The following is an entry in ClinVar:

ClinVar aggregate classification (germline): Likely pathogenic (1 of 4 stars; one submission).

Submission:

Labcorp Genetics (formerly Invitae), Labcorp
Classification: Likely pathogenic. Last evaluated: 2025-03-07. Review status: criteria provided, single submitter. Criteria: Invitae Variant Classification Sherloc (09022015). Collection method: clinical testing. Allele origin: germline.
Comment: This sequence change replaces arginine, which is basic and polar, with serine, which is neutral and polar, at codon 228 of the GNAS protein (p.Arg228Ser). This variant is not present in population databases (gnomAD no frequency). This missense change has been observed in individual(s) with pseudohypoparathyroidism or pseudopseudohypoparathyroidism (PMID: 31886927). This variant is also known as c.685C>A (p.Arg229Ser). Invitae Evidence Modeling of protein sequence and biophysical properties (such as structural, functional, and spatial information, amino acid conservation, physicochemical variation, residue mobility, and thermodynamic stability) indicates that this missense variant is expected to disrupt GNAS protein function with a positive predictive value of 95%. This variant disrupts the p.Arg228 amino acid residue in GNAS. Other variant(s) that disrupt this residue have been determined to be pathogenic (PMID: 24914079, 34614324). This suggests that this residue is clinically significant, and that variants that disrupt this residue are likely to be disease-causing. In summary, the currently available evidence indicates that the variant is pathogenic, but additional data are needed to prove that conclusively. Therefore, this variant has been classified as Likely Pathogenic.

Literature cited by the submitters: PubMed 31886927; PubMed 24914079; PubMed 34614324.

NM_000516.7(GNAS):c.682C>A (p.Arg228Ser)

Gene: GNAS (GNAS complex locus; plus strand). Cytogenetic location: 20q13.32.
Variant type: single nucleotide variant.
Coding change: c.682C>A on transcript NM_000516.7 (MANE Select); coding-DNA position 682, C replaced by A.
Protein change: p.Arg228Ser; replaces arginine 228 with serine.
Molecular consequence: missense variant. On other transcripts: 3 prime UTR variant (2).
Genome position (GRCh38, 1-based): chr20:58,909,543, C>A. VCF-style: chr20-58909543-C-A. GRCh37 (hg19) VCF-style: chr20-57484598-C-A.
Other names: c.685C>A, p.Arg229Ser (NM_001077488.5); c.637C>A, p.Arg213Ser (NM_001077489.4); c.*543C>A (NM_001077490.3); c.505C>A, p.Arg169Ser (NM_001309840.2, NM_001309861.2); c.586C>A, p.Arg196Ser (NM_001410912.1); c.2566C>A, p.Arg856Ser (NM_001410913.1); c.*588C>A (NM_016592.5); c.2611C>A, p.Arg871Ser (NM_080425.4); and 1 more; short protein forms R169S, R213S, R214S, R871S, R856S, R196S, R228S, R229S.
Identifiers: ClinVar variation 3677185 (VCV003677185.2).